The following is an entry in ClinVar:

NM_001048174.2(MUTYH):c.95C>G (p.Ala32Gly)

Gene: MUTYH (mutY DNA glycosylase; minus strand). Cytogenetic location: 1p34.1.
Variant type: single nucleotide variant.
Coding change: c.95C>G on transcript NM_001048174.2 (MANE Select); coding-DNA position 95, C replaced by G.
Protein change: p.Ala32Gly; replaces alanine 32 with glycine.
Molecular consequence: missense variant. On other transcripts: 5 prime UTR variant (7), non-coding transcript variant (7).
Genome position (GRCh38, 1-based): chr1:45,334,411, G>C on the plus strand (C>G on the coding strand, the complement: MUTYH is on the minus strand). VCF-style: chr1-45334411-G-C. GRCh37 (hg19) VCF-style: chr1-45800083-G-C.
Other names: c.95C>G, p.Ala32Gly (NM_001048171.2, NM_001048172.2, NM_001048173.2 and 15 more transcripts); c.137C>G, p.Ala46Gly (NM_001293190.2, NM_001128425.2, NM_001407069.1 and 2 more transcripts); c.-118C>G (NM_001293192.2, NM_001293196.2, NM_001407091.1); c.-177C>G (NM_001350650.2); c.-113C>G (NM_001350651.2, NM_001407082.1); c.-62C>G (NM_001407075.1); c.113C>G, p.Ala38Gly (NM_001407087.1); short protein forms A32G, A38G, A46G.
Identifiers: ClinVar variation 4113200 (VCV004113200.1).
Genomic context (GRCh38, chr1:45,334,411, plus strand): 5'-TCATGGCCAATGAGCCTTGGGCCACAACCTAGTTCCTTACCATCACAGGCAGAAGGCTTG[G>C]CCTGACTGTTGTTCTTAGCATGCTTCTGCCTCCCTTCCTGGCTGGCTGCCTGCTTCCTGT-3'
Protein context (NP_001041639.1, residues 22-42): RQKHAKNNSQ[Ala32Gly]KPSACDGLAR

ClinVar aggregate classification (germline): Uncertain significance (1 of 4 stars; one submission).

Conditions:
Hereditary cancer-predisposing syndrome. Also called: Tumor predisposition; Neoplastic Syndromes, Hereditary; Hereditary neoplastic syndrome; Hereditary Cancer Syndrome. Identifiers: Orphanet 140162, MedGen C0027672, MeSH D009386, MONDO:0015356.

Submission:

Ambry Genetics
Classification: Uncertain significance for Hereditary cancer-predisposing syndrome. Last evaluated: 2025-08-27. Review status: criteria provided, single submitter. Criteria: Ambry Variant Classification Scheme 2023. Collection method: clinical testing. Allele origin: germline.
Comment: The p.A46G variant (also known as c.137C>G), located in coding exon 2 of the MUTYH gene, results from a C to G substitution at nucleotide position 137. The alanine at codon 46 is replaced by glycine, an amino acid with similar properties. This amino acid position is conserved. In addition, this alteration is predicted to be tolerated by in silico analysis. Based on the available evidence, the clinical significance of this variant remains unclear.